The following is an entry in ClinVar:

ClinVar aggregate classification (germline): Uncertain significance. Review status: criteria provided, multiple submitters, no conflicts (2 of 4 stars). 3 submissions from 3 submitters: Uncertain significance (3). Last evaluated 2025-06-11.

Conditions:
Hereditary cancer-predisposing syndrome. Also called: Tumor predisposition; Hereditary Cancer Syndrome; Hereditary neoplastic syndrome; Neoplastic Syndromes, Hereditary. Identifiers: Orphanet 140162, MedGen C0027672, MeSH D009386, MONDO:0015356.
Familial adenomatous polyposis 1 (FAP1). Also called: FAMILIAL ADENOMATOUS POLYPOSIS 1, ATTENUATED; POLYPOSIS, ADENOMATOUS INTESTINAL. Identifiers: MedGen C2713442, MONDO:0021056, OMIM 175100. Disease mechanism: loss of function.

Allele frequency attached by ClinVar (database versions not stated): gnomAD exomes below 0.00001.
gnomAD v4.1: 7 of 1,613,416 alleles (0.00043%); highest among the groups gnomAD compares: Non-Finnish European, 0.00051%; no homozygotes.

Submissions (3):

Ambry Genetics
Classification: Uncertain significance for Hereditary cancer-predisposing syndrome. Last evaluated: 2025-06-11. Review status: criteria provided, single submitter. Criteria: Ambry Variant Classification Scheme 2023. Collection method: clinical testing. Allele origin: germline.
Comment: The p.H2532Q variant (also known as c.7596T>G), located in coding exon 15 of the APC gene, results from a T to G substitution at nucleotide position 7596. The histidine at codon 2532 is replaced by glutamine, an amino acid with highly similar properties. This amino acid position is well conserved in available vertebrate species. In addition, in silico predictors for this gene do not accurately predict pathogenicity. Missense alterations in APC are not a common cause of disease (Spier I et al. Genet Med. 2024 Feb;26(2):100992).Based on the available evidence, the clinical significance of this variant remains unclear.

Labcorp Genetics (formerly Invitae), Labcorp
Classification: Uncertain significance for Familial adenomatous polyposis 1. Last evaluated: 2023-09-14. Review status: criteria provided, single submitter. Criteria: Invitae Variant Classification Sherloc (09022015). Collection method: clinical testing. Allele origin: germline.
Comment: In summary, the available evidence is currently insufficient to determine the role of this variant in disease. Therefore, it has been classified as a Variant of Uncertain Significance. Advanced modeling of protein sequence and biophysical properties (such as structural, functional, and spatial information, amino acid conservation, physicochemical variation, residue mobility, and thermodynamic stability) performed at Invitae indicates that this missense variant is not expected to disrupt APC protein function. ClinVar contains an entry for this variant (Variation ID: 181825). This variant has not been reported in the literature in individuals affected with APC-related conditions. This variant is present in population databases (rs730881266, gnomAD 0.0009%). This sequence change replaces histidine, which is basic and polar, with glutamine, which is neutral and polar, at codon 2532 of the APC protein (p.His2532Gln).

GeneDx
Classification: Uncertain significance. Last evaluated: 2017-08-29. Review status: criteria provided, single submitter. Criteria: GeneDx Variant Classification (06012015). Collection method: clinical testing. Allele origin: germline. Affected: yes.
Comment: This variant is denoted APC c.7596T>G at the cDNA level, p.His2532Gln (H2532Q) at the protein level, and results in the change of a Histidine to a Glutamine (CAT>CAG). This variant has not, to our knowledge, been published in the literature as pathogenic or benign. APC His2532Gln was not observed in large population cohorts (NHLBI Exome Sequencing Project, The 1000 Genomes Consortium 2015, Lek 2016). Since Histidine and Glutamine differ in some properties, this is considered a semi-conservative amino acid substitution. APC His2532Gln occurs at a position that is conserved in mammals and is not located in a known functional domain. In silico analyses are inconsistent regarding the effect this variant may have on protein structure and function. Based on currently available evidence, it is unclear whether APC His2532Gln is a pathogenic or benign variant. We consider it to be a variant of uncertain significance.

NM_000038.6(APC):c.7596T>G (p.His2532Gln)

Gene: APC (APC regulator of Wnt signaling pathway; plus strand). Cytogenetic location: 5q22.2.
Variant type: single nucleotide variant.
Coding change: c.7596T>G on transcript NM_000038.6 (MANE Select); coding-DNA position 7596, T replaced by G.
Protein change: p.His2532Gln; replaces histidine 2532 with glutamine.
Molecular consequence: missense variant.
Genome position (GRCh38, 1-based): chr5:112,843,190, T>G. VCF-style: chr5-112843190-T-G. GRCh37 (hg19) VCF-style: chr5-112178887-T-G.
Other names: p.H2532Q:CAT>CAG; c.7626T>G, p.His2542Gln (NM_001354897.2); c.7521T>G, p.His2507Gln (NM_001354898.2); c.7512T>G, p.His2504Gln (NM_001354899.2); c.7323T>G, p.His2441Gln (NM_001354902.2); c.7293T>G, p.His2431Gln (NM_001354903.2); c.7218T>G, p.His2406Gln (NM_001354904.2); c.7116T>G, p.His2372Gln (NM_001354905.2); and 6 more; short protein forms H2514Q, H2532Q, H2431Q, H2473Q, H2491Q, H2507Q, H2550Q, H2504Q.
Identifiers: ClinVar variation 181825 (VCV000181825.16), dbSNP rs730881266, ClinGen allele CA013915.
Genomic context (GRCh38, chr5:112,843,190, plus strand): 5'-TCCCACTATAGAGTATAATGATGGAAGACCAGCAAAGCGCCATGATATTGCACGGTCTCA[T>G]TCTGAAAGTCCTTCTAGACTTCCAATCAATAGGTCAGGAACCTGGAAACGTGAGCACAGC-3'
Protein context (NP_000029.2, residues 2522-2542): PAKRHDIARS[His2532Gln]SESPSRLPIN